The following is an entry in ClinVar:

ClinVar aggregate classification (germline): Pathogenic (1 of 4 stars; one submission).

Conditions:
Alstrom syndrome (ALMS). Identifiers: Orphanet 64, MedGen C0268425, MONDO:0008763, OMIM 203800.

Allele frequency attached by ClinVar (database versions not stated): gnomAD exomes below 0.00001.
gnomAD v4.1: 1 of 1,614,200 alleles (0.000062%); highest among the groups gnomAD compares: Non-Finnish European, 0.000085%; no homozygotes.

Submission:

Labcorp Genetics (formerly Invitae), Labcorp
Classification: Pathogenic for Alstrom syndrome. Last evaluated: 2022-06-13. Review status: criteria provided, single submitter. Criteria: Invitae Variant Classification Sherloc (09022015). Collection method: clinical testing. Allele origin: germline.
Comment: For these reasons, this variant has been classified as Pathogenic. This variant has not been reported in the literature in individuals affected with ALMS1-related conditions. This variant is not present in population databases (gnomAD no frequency). This sequence change creates a premature translational stop signal (p.Lys4068*) in the ALMS1 gene. It is expected to result in an absent or disrupted protein product. Loss-of-function variants in ALMS1 are known to be pathogenic (PMID: 17594715).

Literature cited by the submitters: PubMed 17594715.

NM_001378454.1(ALMS1):c.12199A>T (p.Lys4067Ter)

Genes: ALMS1 (ALMS1 centrosome and basal body associated protein; plus strand), LOC126806252 (BRD4-independent group 4 enhancer GRCh37_chr2:73828496-73829695; plus strand). Cytogenetic location: 2p13.1.
Variant type: single nucleotide variant.
Coding change: c.12199A>T on transcript NM_001378454.1 (MANE Select); coding-DNA position 12199, A replaced by T.
Protein change: p.Lys4067Ter; replaces lysine 4067 with a stop codon.
Molecular consequence: nonsense.
Genome position (GRCh38, 1-based): chr2:73,602,269, A>T. VCF-style: chr2-73602269-A-T. GRCh37 (hg19) VCF-style: chr2-73829396-A-T.
Other names: c.12202A>T, p.Lys4068Ter (NM_015120.4); short protein forms K4068*, K4067*.
Identifiers: ClinVar variation 2005984 (VCV002005984.4), dbSNP rs2466526494, ClinGen allele CA347268093.